The following is an entry in ClinVar:

NM_000094.4(COL7A1):c.6502-2A>G

Gene: COL7A1 (collagen type VII alpha 1 chain; minus strand). Cytogenetic location: 3p21.31.
Variant type: single nucleotide variant.
Coding change: c.6502-2A>G on transcript NM_000094.4 (MANE Select); the canonical splice acceptor site of the intron before coding-DNA position 6502, A replaced by G.
Molecular consequence: splice acceptor variant.
Genome position (GRCh38, 1-based): chr3:48,573,892, T>C on the plus strand (A>G on the coding strand, the complement: COL7A1 is on the minus strand). VCF-style: chr3-48573892-T-C. GRCh37 (hg19) VCF-style: chr3-48611325-T-C.
Identifiers: ClinVar variation 941730 (VCV000941730.8), dbSNP rs773265287, ClinGen allele CA2378975.

ClinVar aggregate classification (germline): Likely pathogenic. Review status: criteria provided, multiple submitters, no conflicts (2 of 4 stars). 2 submissions from 2 submitters: Likely pathogenic (2). Last evaluated 2025-09-19.

Conditions:
Epidermolysis bullosa dystrophica. Also called: Dystrophic epidermolysis bullosa, Hallopeau-Siemens type (formerly); Dystrophic epidermolysis bullosa. Identifiers: Orphanet 303, MedGen C0079294, MONDO:0006543.

Allele frequency attached by ClinVar (database versions not stated): gnomAD exomes below 0.00001; ExAC 0.00001.
gnomAD v4.1: 1 of 1,613,408 alleles (0.000062%); highest among the groups gnomAD compares: Non-Finnish European, 0.000085%; no homozygotes.

Submissions (2):

Natera, Inc.
Classification: Likely pathogenic for Dystrophic epidermolysis bullosa. Last evaluated: 2025-09-19. Review status: criteria provided, single submitter. Criteria: Natera Variant Classification Schema (03/2026). Collection method: clinical testing. Allele origin: germline.
Comment: The c.6502-2A>G variant in COL7A1 is a canonical splice acceptor site variant predicted to affect pre-mRNA splicing, which may result in an abnormal transcript and altered protein product. This variant may result in a truncated or dysfunctional protein product. This variant is rare in the general population with a frequency below the threshold expected for the associated phenotype(s). This variant has been observed in one or more individuals affected with the associated recessive disease, as either homozygous or compound heterozygous with a second variant (PMID: 38368142). Additionally, this variant has been observed to segregate in affected family members (PMID: 38368142). This variant has been identified in one or more affected individual with a phenotype highly consistent with the associated gene (PMID: 38368142). Given the available evidence, this variant is classified as Likely Pathogenic.

Labcorp Genetics (formerly Invitae), Labcorp
Classification: Likely pathogenic. Last evaluated: 2023-01-25. Review status: criteria provided, single submitter. Criteria: Invitae Variant Classification Sherloc (09022015). Collection method: clinical testing. Allele origin: germline.
Comment: In summary, the currently available evidence indicates that the variant is pathogenic, but additional data are needed to prove that conclusively. Therefore, this variant has been classified as Likely Pathogenic. Algorithms developed to predict the effect of sequence changes on RNA splicing suggest that this variant may disrupt the consensus splice site. ClinVar contains an entry for this variant (Variation ID: 941730). This variant has not been reported in the literature in individuals affected with COL7A1-related conditions. This variant is present in population databases (rs773265287, gnomAD 0.0009%). This sequence change affects an acceptor splice site in intron 79 of the COL7A1 gene. It is expected to disrupt splicing. Variants that disrupt the donor or acceptor splice site typically lead to a loss of protein function (PMID: 16199547), and loss-of-function variants in COL7A1 are known to be disease-causing for autosomal recessive dystrophic epidermolysis bullosa (PMID: 16971478). However, certain variants affecting donor or acceptor splice sites in the triple helical domain of COL7A1 are expected to result in in-frame exon skipping and have been reported to cause autosomal dominant dystrophic epidermolysis bullosa (PMID: 31670143).

Literature cited by the submitters: PubMed 38368142 (cited by Natera, Inc.); PubMed 16199547 (cited by Labcorp Genetics (formerly Invitae), Labcorp); PubMed 16971478 (cited by Labcorp Genetics (formerly Invitae), Labcorp); PubMed 31670143 (cited by Labcorp Genetics (formerly Invitae), Labcorp).